The following is an entry in ClinVar:

NM_020166.5(MCCC1):c.1474C>T (p.His492Tyr)

Gene: MCCC1 (methylcrotonyl-CoA carboxylase subunit 1; minus strand). Cytogenetic location: 3q27.1.
Variant type: single nucleotide variant.
Coding change: c.1474C>T on transcript NM_020166.5 (MANE Select); coding-DNA position 1474, C replaced by T.
Protein change: p.His492Tyr; replaces histidine 492 with tyrosine.
Molecular consequence: missense variant. On other transcripts: non-coding transcript variant (1).
Genome position (GRCh38, 1-based): chr3:183,037,338, G>A on the plus strand (C>T on the coding strand, the complement: MCCC1 is on the minus strand). VCF-style: chr3-183037338-G-A. GRCh37 (hg19) VCF-style: chr3-182755126-G-A.
Other names: c.1123C>T, p.His375Tyr (NM_001293273.2); c.1147C>T, p.His383Tyr (NM_001363880.1); short protein forms H375Y, H492Y, H383Y.
Identifiers: ClinVar variation 1368922 (VCV001368922.5), dbSNP rs371795972, ClinGen allele CA2718769.

ClinVar aggregate classification (germline): Uncertain significance (1 of 4 stars; one submission).

Conditions:
3-methylcrotonyl-CoA carboxylase 1 deficiency (MCC1D). Also called: MCCD TYPE 1; METHYLCROTONYLGLYCINURIA TYPE I; MCC 1 deficiency; 3 Alpha methylcrotonylglycinuria 1. Identifiers: Orphanet 6, MedGen CN028786, MONDO:0008861, OMIM 210200.

Allele frequency attached by ClinVar (database versions not stated): ExAC 0.00004; gnomAD exomes 0.00004 and 0.00012; TOPMed 0.00005; gnomAD 0.00006; ESP Exome Variant Server 0.00008.
gnomAD v4.1: 191 of 1,614,044 alleles (0.012%); highest among the groups gnomAD compares: Non-Finnish European, 0.015%; no homozygotes.

Submission:

Labcorp Genetics (formerly Invitae), Labcorp
Classification: Uncertain significance for 3-methylcrotonyl-CoA carboxylase 1 deficiency. Last evaluated: 2022-07-30. Review status: criteria provided, single submitter. Criteria: Invitae Variant Classification Sherloc (09022015). Collection method: clinical testing. Allele origin: germline.
Comment: This sequence change replaces histidine, which is basic and polar, with tyrosine, which is neutral and polar, at codon 492 of the MCCC1 protein (p.His492Tyr). This variant is present in population databases (rs371795972, gnomAD 0.008%). This variant has not been reported in the literature in individuals affected with MCCC1-related conditions. ClinVar contains an entry for this variant (Variation ID: 1368922). Algorithms developed to predict the effect of missense changes on protein structure and function (SIFT, PolyPhen-2, Align-GVGD) all suggest that this variant is likely to be tolerated. In summary, the available evidence is currently insufficient to determine the role of this variant in disease. Therefore, it has been classified as a Variant of Uncertain Significance.